The following is an entry in ClinVar:

NM_002470.4(MYH3):c.5301G>A (p.Ala1767=)

Gene: MYH3 (myosin heavy chain 3; minus strand). Cytogenetic location: 17p13.1.
Variant type: single nucleotide variant.
Coding change: c.5301G>A on transcript NM_002470.4 (MANE Select); coding-DNA position 5301, G replaced by A.
Protein change: p.Ala1767=; no amino-acid change (alanine 1767 retained).
Molecular consequence: synonymous variant.
Genome position (GRCh38, 1-based): chr17:10,630,444, C>T on the plus strand (G>A on the coding strand, the complement: MYH3 is on the minus strand). VCF-style: chr17-10630444-C-T. GRCh37 (hg19) VCF-style: chr17-10533761-C-T.
Identifiers: ClinVar variation 705417 (VCV000705417.14), dbSNP rs151028057, ClinGen allele CA8391967.

ClinVar aggregate classification (germline): Conflicting classifications of pathogenicity. Review status: criteria provided, conflicting classifications (1 of 4 stars). 5 submissions from 4 submitters: Uncertain significance (1); Benign (1); Likely benign (2). 1 of the submissions does not count toward it. Last evaluated 2026-01-18.

Conditions:
MYH3-related disorder. Also called: MYH3-related condition; MYH3-Related Disorders. Identifiers: MedGen CN239329.
Freeman-Sheldon syndrome (DA2A). Also called: Arthrogryposis, distal, type 2A (Freeman-Sheldon); CRANIOCARPOTARSAL DYSPLASIA; CRANIOCARPOTARSAL DYSTROPHY; WHISTLING FACE-WINDMILL VANE HAND SYNDROME. Identifiers: Orphanet 2053, MedGen C0265224, MONDO:0008675, OMIM 193700.
Distal arthrogryposis type 2B1 (DA2B1). Also called: Arthrogryposis multiplex congenita distal type II with craniofacial abnormalities. Identifiers: Orphanet 1147, MedGen C5193014, MONDO:0020820, OMIM 601680.

Allele frequency attached by ClinVar (database versions not stated): gnomAD 0.00044 and 0.00045; ESP Exome Variant Server 0.00046; TOPMed 0.00046.
gnomAD v4.1: 1,188 of 1,614,178 alleles (0.074%); highest among the groups gnomAD compares: Non-Finnish European, 0.093%; no homozygotes.

Submissions (5):

Labcorp Genetics (formerly Invitae), Labcorp
Classification: Likely benign. Last evaluated: 2026-01-18. Review status: criteria provided, single submitter. Criteria: Invitae Variant Classification Sherloc (09022015). Collection method: clinical testing. Allele origin: germline.

Blueprint Genetics
Classification: Likely benign. Last evaluated: 2024-09-06. Review status: criteria provided, single submitter. Criteria: ACMG Guidelines, 2015. Collection method: clinical testing. Allele origin: germline.

Illumina Laboratory Services, Illumina
Classification: Benign for Freeman-Sheldon syndrome. Last evaluated: 2018-01-13. Review status: criteria provided, single submitter. Criteria: ICSL Variant Classification Criteria 13 December 2019. Collection method: clinical testing. Allele origin: germline.
Comment: This variant was observed in the ICSL laboratory as part of a predisposition screen in an ostensibly healthy population. It had not been previously curated by ICSL or reported in the Human Gene Mutation Database (HGMD: prior to June 1st, 2018), and was therefore a candidate for classification through an automated scoring system. Utilizing variant allele frequency, disease prevalence and penetrance estimates, and inheritance mode, an automated score was calculated to assess if this variant is too frequent to cause the disease. Based on the score and internal cut-off values, a variant classified as benign is not then subjected to further curation. The score for this variant resulted in a classification of benign for this disease.

Illumina Laboratory Services, Illumina
Classification: Uncertain significance for Distal arthrogryposis type 2B1. Last evaluated: 2018-01-13. Review status: criteria provided, single submitter. Criteria: ICSL Variant Classification Criteria 13 December 2019. Collection method: clinical testing. Allele origin: germline.

PreventionGenetics, part of Exact Sciences
Classification: Likely benign for MYH3-related condition. Last evaluated: 2024-01-05. Review status: no assertion criteria provided. Collection method: clinical testing. Allele origin: germline. Not counted in ClinVar's aggregate classification.
Comment: This variant is classified as likely benign based on ACMG/AMP sequence variant interpretation guidelines (Richards et al. 2015 PMID: 25741868, with internal and published modifications).